The following is an entry in ClinVar:

NM_002474.3(MYH11):c.2813G>T (p.Gly938Val)

Gene: MYH11 (myosin heavy chain 11; minus strand). Cytogenetic location: 16p13.11.
Variant type: single nucleotide variant.
Coding change: c.2813G>T on transcript NM_002474.3 (MANE Select); coding-DNA position 2813, G replaced by T.
Protein change: p.Gly938Val; replaces glycine 938 with valine.
Molecular consequence: missense variant.
Genome position (GRCh38, 1-based): chr16:15,741,509, C>A on the plus strand (G>T on the coding strand, the complement: MYH11 is on the minus strand). VCF-style: chr16-15741509-C-A. GRCh37 (hg19) VCF-style: chr16-15835366-C-A.
Other names: c.2834G>T, p.Gly945Val (NM_001040113.2, NM_001040114.2); c.2813G>T, p.Gly938Val (NM_022844.3); short protein forms G938V, G945V.
Identifiers: ClinVar variation 849332 (VCV000849332.7), dbSNP rs2041270792, ClinGen allele CA394865000.

ClinVar aggregate classification (germline): Uncertain significance. Review status: criteria provided, multiple submitters, no conflicts (2 of 4 stars). 2 submissions from 2 submitters: Uncertain significance (2). Last evaluated 2025-05-13.

Conditions:
Aortic aneurysm, familial thoracic 4 (AAT4). Also called: AORTIC ANEURYSM/AORTIC DISSECTION AND PATENT DUCTUS ARTERIOSUS. Identifiers: MedGen C1851504, MONDO:0007568, OMIM 132900.
Familial thoracic aortic aneurysm and aortic dissection (TAAD). Also called: Thoracic aortic aneurysms and dissections. Identifiers: Orphanet 91387, MedGen C4707243, MONDO:0019625.

Allele frequency attached by ClinVar (database versions not stated): gnomAD 0.00001.

Submissions (2):

Labcorp Genetics (formerly Invitae), Labcorp
Classification: Uncertain significance for Aortic aneurysm, familial thoracic 4. Last evaluated: 2025-05-13. Review status: criteria provided, single submitter. Criteria: Invitae Variant Classification Sherloc (09022015). Collection method: clinical testing. Allele origin: germline.
Comment: This sequence change replaces glycine, which is neutral and non-polar, with valine, which is neutral and non-polar, at codon 945 of the MYH11 protein (p.Gly945Val). This variant is not present in population databases (gnomAD no frequency). This variant has not been reported in the literature in individuals affected with MYH11-related conditions. ClinVar contains an entry for this variant (Variation ID: 849332). Invitae Evidence Modeling of protein sequence and biophysical properties (such as structural, functional, and spatial information, amino acid conservation, physicochemical variation, residue mobility, and thermodynamic stability) indicates that this missense variant is not expected to disrupt MYH11 protein function with a negative predictive value of 95%. In summary, the available evidence is currently insufficient to determine the role of this variant in disease. Therefore, it has been classified as a Variant of Uncertain Significance.

All of Us Research Program, National Institutes of Health
Classification: Uncertain significance for Familial thoracic aortic aneurysm and aortic dissection. Last evaluated: 2024-01-11. Review status: criteria provided, single submitter. Criteria: ACMG Guidelines, 2015. Collection method: clinical testing. Allele origin: germline. Inheritance: Autosomal dominant inheritance. Observed: 2 variant alleles, 2 heterozygotes.
Comment: This missense variant replaces glycine with valine at codon 945 of the MYH11 protein. Computational prediction suggests that this variant may not impact protein structure and function (internally defined REVEL score threshold <= 0.5, PMID: 27666373). To our knowledge, functional studies have not been reported for this variant. This variant has not been reported in individuals affected with MYH11-related disorders in the literature. This variant has not been identified in the general population by the Genome Aggregation Database (gnomAD). The available evidence is insufficient to determine the role of this variant in disease conclusively. Therefore, this variant is classified as a Variant of Uncertain Significance.

This study involves interpretation of variants in research participants for the purpose of population health screening. Participant phenotype was not available at the time of variant classification. Additional details can be found in publication PMID: 35346344, PMCID: PMC8962531